The following is an entry in ClinVar:

NM_001042681.2(RERE):c.4668-3C>T

Gene: RERE (arginine-glutamic acid dipeptide repeats; minus strand). Cytogenetic location: 1p36.23.
Variant type: single nucleotide variant.
Coding change: c.4668-3C>T on transcript NM_001042681.2 (MANE Select); 3 bases into the intron before coding-DNA position 4668, C replaced by T.
Molecular consequence: intron variant.
Genome position (GRCh38, 1-based): chr1:8,355,123, G>A on the plus strand (C>T on the coding strand, the complement: RERE is on the minus strand). VCF-style: chr1-8355123-G-A. GRCh37 (hg19) VCF-style: chr1-8415183-G-A.
Other names: c.4668-3C>T (NM_012102.4); c.3006-3C>T (NM_001042682.2).
Identifiers: ClinVar variation 3615100 (VCV003615100.2).

ClinVar aggregate classification (germline): Uncertain significance (1 of 4 stars; one submission).

gnomAD v4.1: 2 of 1,613,888 alleles (0.00012%); highest among the groups gnomAD compares: South Asian, 0.0022%; no homozygotes.

Submission:

Labcorp Genetics (formerly Invitae), Labcorp
Classification: Uncertain significance. Last evaluated: 2025-10-21. Review status: criteria provided, single submitter. Criteria: Invitae Variant Classification Sherloc (09022015). Collection method: clinical testing. Allele origin: germline.
Comment: This sequence change falls in intron 23 of the RERE gene. It does not directly change the encoded amino acid sequence of the RERE protein. It affects a nucleotide within the consensus splice site. This variant is present in population databases (no rsID available, gnomAD 0.003%). This variant has not been reported in the literature in individuals affected with RERE-related conditions. ClinVar contains an entry for this variant (Variation ID: 3615100). Variants that disrupt the consensus splice site are a relatively common cause of aberrant splicing (PMID: 17576681, 9536098). Algorithms developed to predict the effect of sequence changes on RNA splicing suggest that this variant is not likely to affect RNA splicing. In summary, the available evidence is currently insufficient to determine the role of this variant in disease. Therefore, it has been classified as a Variant of Uncertain Significance.

Literature cited by the submitters: PubMed 17576681; PubMed 9536098.